The following is an entry in ClinVar:

ClinVar aggregate classification (germline): Pathogenic (1 of 4 stars; one submission).

Conditions:
Autosomal recessive polycystic kidney disease (ARPKD). Also called: AR polycystic kidney disease. Identifiers: Orphanet 731, Orphanet 8378, MedGen C0085548, MeSH D017044, MONDO:0009889.

Submission:

Labcorp Genetics (formerly Invitae), Labcorp
Classification: Pathogenic for Autosomal recessive polycystic kidney disease. Last evaluated: 2021-08-21. Review status: criteria provided, single submitter. Criteria: Invitae Variant Classification Sherloc (09022015). Collection method: clinical testing. Allele origin: germline.
Comment: Advanced modeling of protein sequence and biophysical properties (such as structural, functional, and spatial information, amino acid conservation, physicochemical variation, residue mobility, and thermodynamic stability) performed at Invitae indicates that this missense variant is expected to disrupt PKHD1 protein function. For these reasons, this variant has been classified as Pathogenic. This missense change has been observed in individual(s) with polycystic kidney disease (PMID: 12506140). In at least one individual the data is consistent with the variant being in trans (on the opposite chromosome) from a pathogenic variant. It has also been observed to segregate with disease in related individuals. This variant is not present in population databases (ExAC no frequency). This sequence change replaces tryptophan with cysteine at codon 656 of the PKHD1 protein (p.Trp656Cys). The tryptophan residue is highly conserved and there is a large physicochemical difference between tryptophan and cysteine.

Literature cited by the submitters: PubMed 12506140.

NM_138694.4(PKHD1):c.1968G>T (p.Trp656Cys)

Gene: PKHD1 (PKHD1 ciliary IPT domain containing fibrocystin/polyductin; minus strand). Cytogenetic location: 6p12.2.
Variant type: single nucleotide variant.
Coding change: c.1968G>T on transcript NM_138694.4 (MANE Select); coding-DNA position 1968, G replaced by T.
Protein change: p.Trp656Cys; replaces tryptophan 656 with cysteine.
Molecular consequence: missense variant.
Genome position (GRCh38, 1-based): chr6:52,053,248, C>A on the plus strand (G>T on the coding strand, the complement: PKHD1 is on the minus strand). VCF-style: chr6-52053248-C-A. GRCh37 (hg19) VCF-style: chr6-51918046-C-A.
Other names: c.1968G>T, p.Trp656Cys (NM_170724.3); short protein forms W656C.
Identifiers: ClinVar variation 1374661 (VCV001374661.6), dbSNP rs1209068432, ClinGen allele CA364444600.